The following is an entry in ClinVar:

NM_001365951.3(KIF1B):c.499C>T (p.Arg167Cys)

Gene: KIF1B (kinesin family member 1B; plus strand). Cytogenetic location: 1p36.22.
Variant type: single nucleotide variant.
Coding change: c.499C>T on transcript NM_001365951.3 (MANE Select); coding-DNA position 499, C replaced by T.
Protein change: p.Arg167Cys; replaces arginine 167 with cysteine.
Molecular consequence: missense variant.
Genome position (GRCh38, 1-based): chr1:10,267,449, C>T. VCF-style: chr1-10267449-C-T. GRCh37 (hg19) VCF-style: chr1-10327507-C-T.
Other names: c.499C>T, p.Arg167Cys (NM_001365952.1, NM_001365953.1, NM_015074.3 and 1 more transcripts); short protein forms R167C.
Identifiers: ClinVar variation 2563600 (VCV002563600.3), dbSNP rs2521041992, ClinGen allele CA338329322.
Genomic context (GRCh38, chr1:10,267,449, plus strand): 5'-ATGGAAATTTACTGTGAAAGAGTACGAGATTTGCTGAATCCAAAAAACAAGGGTAATTTG[C>T]GTGTGCGTGAACACCCACTTCTTGGACCCTATGTGGAGGATCTGTCCAAGTTGGCAGTTA-3'
Protein context (NP_001352880.1, residues 157-177): LLNPKNKGNL[Arg167Cys]VREHPLLGPY

ClinVar aggregate classification (germline): Uncertain significance (1 of 4 stars; one submission).

Allele frequency attached by ClinVar (database versions not stated): gnomAD exomes below 0.00001.
gnomAD v4.1: 1 of 1,614,088 alleles (0.000062%); no homozygotes.

Submission:

Ambry Genetics
Classification: Uncertain significance. Last evaluated: 2025-05-03. Review status: criteria provided, single submitter. Criteria: Ambry Variant Classification Scheme 2023. Collection method: clinical testing. Allele origin: germline.
Comment: The p.R167C variant (also known as c.499C>T), located in coding exon 5 of the KIF1B gene, results from a C to T substitution at nucleotide position 499. The arginine at codon 167 is replaced by cysteine, an amino acid with highly dissimilar properties. This amino acid position is conserved. In addition, this alteration is predicted to be deleterious by in silico analysis. Since supporting evidence is limited at this time, the clinical significance of this alteration remains unclear.